The following is an entry in ClinVar:

ClinVar aggregate classification (germline): Uncertain significance. Review status: criteria provided, multiple submitters, no conflicts (2 of 4 stars). 2 submissions from 2 submitters: Uncertain significance (2). Last evaluated 2025-10-28.

gnomAD v4.1: 30 of 1,612,878 alleles (0.0019%); highest among the groups gnomAD compares: Middle Eastern, 0.017%; no homozygotes.

Submissions (2):

Labcorp Genetics (formerly Invitae), Labcorp
Classification: Uncertain significance. Last evaluated: 2025-10-28. Review status: criteria provided, single submitter. Criteria: Invitae Variant Classification Sherloc (09022015). Collection method: clinical testing. Allele origin: germline.
Comment: This sequence change replaces glycine, which is neutral and non-polar, with glutamic acid, which is acidic and polar, at codon 187 of the GDF5 protein (p.Gly187Glu). This variant is present in population databases (rs138025115, gnomAD 0.004%). This variant has not been reported in the literature in individuals affected with GDF5-related conditions. Invitae Evidence Modeling of protein sequence and biophysical properties (such as structural, functional, and spatial information, amino acid conservation, physicochemical variation, residue mobility, and thermodynamic stability) indicates that this missense variant is not expected to disrupt GDF5 protein function with a negative predictive value of 80%. In summary, the available evidence is currently insufficient to determine the role of this variant in disease. Therefore, it has been classified as a Variant of Uncertain Significance.

Blueprint Genetics
Classification: Uncertain significance. Last evaluated: 2024-09-06. Review status: criteria provided, single submitter. Criteria: ACMG Guidelines, 2015. Collection method: clinical testing. Allele origin: germline.

NM_000557.5(GDF5):c.560G>A (p.Gly187Glu)

Gene: GDF5 (growth differentiation factor 5; minus strand). Cytogenetic location: 20q11.22.
Variant type: single nucleotide variant.
Coding change: c.560G>A on transcript NM_000557.5 (MANE Select); coding-DNA position 560, G replaced by A.
Protein change: p.Gly187Glu; replaces glycine 187 with glutamic acid.
Molecular consequence: missense variant.
Genome position (GRCh38, 1-based): chr20:35,437,369, C>T on the plus strand (G>A on the coding strand, the complement: GDF5 is on the minus strand). VCF-style: chr20-35437369-C-T. GRCh37 (hg19) VCF-style: chr20-34025149-C-T.
Other names: c.560G>A, p.Gly187Glu (NM_001319138.2); short protein forms G187E.
Identifiers: ClinVar variation 4737956 (VCV004737956.2).